The following is an entry in ClinVar:

ClinVar aggregate classification (germline): Uncertain significance (1 of 4 stars; one submission).

Allele frequency attached by ClinVar (database versions not stated): TOPMed 0.00001; gnomAD exomes below 0.00001.
gnomAD v4.1: 5 of 1,613,238 alleles (0.00031%); highest among the groups gnomAD compares: Non-Finnish European, 0.000085%; no homozygotes.

Submission:

Labcorp Genetics (formerly Invitae), Labcorp
Classification: Uncertain significance. Last evaluated: 2022-08-20. Review status: criteria provided, single submitter. Criteria: Invitae Variant Classification Sherloc (09022015). Collection method: clinical testing. Allele origin: germline.
Comment: In summary, the available evidence is currently insufficient to determine the role of this variant in disease. Therefore, it has been classified as a Variant of Uncertain Significance. Advanced modeling of protein sequence and biophysical properties (such as structural, functional, and spatial information, amino acid conservation, physicochemical variation, residue mobility, and thermodynamic stability) performed at Invitae indicates that this missense variant is not expected to disrupt SERPINH1 protein function. This variant has not been reported in the literature in individuals affected with SERPINH1-related conditions. This variant is not present in population databases (gnomAD no frequency). This sequence change replaces valine, which is neutral and non-polar, with methionine, which is neutral and non-polar, at codon 147 of the SERPINH1 protein (p.Val147Met).

NM_001235.5(SERPINH1):c.439G>A (p.Val147Met)

Gene: SERPINH1 (serpin family H member 1; plus strand). Cytogenetic location: 11q13.5.
Variant type: single nucleotide variant.
Coding change: c.439G>A on transcript NM_001235.5 (MANE Select); coding-DNA position 439, G replaced by A.
Protein change: p.Val147Met; replaces valine 147 with methionine.
Molecular consequence: missense variant.
Genome position (GRCh38, 1-based): chr11:75,566,788, G>A. VCF-style: chr11-75566788-G-A. GRCh37 (hg19) VCF-style: chr11-75277833-G-A.
Other names: c.439G>A, p.Val147Met (NM_001207014.3); short protein forms V147M.
Identifiers: ClinVar variation 1984290 (VCV001984290.3), dbSNP rs893466223, ClinGen allele CA224682240.